The following is an entry in ClinVar:

NM_000063.6(C2):c.844G>C (p.Asp282His)

Gene: C2 (complement C2; plus strand). Cytogenetic location: 6p21.33.
Variant type: single nucleotide variant.
Coding change: c.844G>C on transcript NM_000063.6 (MANE Select); coding-DNA position 844, G replaced by C.
Protein change: p.Asp282His; replaces aspartic acid 282 with histidine.
Molecular consequence: missense variant. On other transcripts: intron variant (2).
Genome position (GRCh38, 1-based): chr6:31,934,294, G>C. VCF-style: chr6-31934294-G-C. GRCh37 (hg19) VCF-style: chr6-31902071-G-C.
Other names: c.448G>C, p.Asp150His (NM_001145903.3); c.757G>C, p.Asp253His (NM_001282458.2); c.844G>C, p.Asp282His (NM_001282459.2); c.111+511G>C (NM_001282457.2); c.346+329G>C (NM_001178063.3); short protein forms D150H, D282H, D253H.
Identifiers: ClinVar variation 1345600 (VCV001345600.8), dbSNP rs2151754946, ClinGen allele CA363368243.

ClinVar aggregate classification (germline): Uncertain significance (1 of 4 stars; one submission).

Submission:

Labcorp Genetics (formerly Invitae), Labcorp
Classification: Uncertain significance. Last evaluated: 2022-09-01. Review status: criteria provided, single submitter. Criteria: Invitae Variant Classification Sherloc (09022015). Collection method: clinical testing. Allele origin: germline.
Comment: In summary, the available evidence is currently insufficient to determine the role of this variant in disease. Therefore, it has been classified as a Variant of Uncertain Significance. Algorithms developed to predict the effect of missense changes on protein structure and function are either unavailable or do not agree on the potential impact of this missense change (SIFT: "Deleterious"; PolyPhen-2: "Probably Damaging"; Align-GVGD: "Class C0"). ClinVar contains an entry for this variant (Variation ID: 1345600). This variant has not been reported in the literature in individuals affected with C2-related conditions. This variant is not present in population databases (gnomAD no frequency). This sequence change replaces aspartic acid, which is acidic and polar, with histidine, which is basic and polar, at codon 282 of the C2 protein (p.Asp282His).